The following is an entry in ClinVar:

ClinVar aggregate classification (germline): Conflicting classifications of pathogenicity. Review status: criteria provided, conflicting classifications (1 of 4 stars). 15 submissions from 14 submitters: Uncertain significance (1); Benign (4); Likely benign (7). 3 of the submissions do not count toward it. Last evaluated 2026-08-01.

Conditions:
Zellweger spectrum disorders (ZS). Also called: Zellweger Spectrum Disorder (ZSD); Zellweger Spectrum; Zellweger Spectrum Disorder; Zellweger syndrome. Identifiers: Orphanet 912, MedGen C0043459, MONDO:0019609.
Peroxisome biogenesis disorder 5B (PBD5B). Identifiers: Orphanet 44, MedGen C3542026, MONDO:0013933, OMIM 614867.
Peroxisome biogenesis disorder 5A (Zellweger) (PBD5A). Identifiers: Orphanet 912, MedGen C3553940, MONDO:0013932, OMIM 614866.
Peroxisome biogenesis disorder 1A (Zellweger) (PBD1A). Also called: Peroxisome biogenesis disorder 1a; Zellweger leukodystrophy. Identifiers: MedGen C4721541, MONDO:0008953, OMIM 214100.

Allele frequency attached by ClinVar (database versions not stated): 1000 Genomes Project 0.00220; 1000 Genomes Project 30x 0.00234; ExAC 0.00499; gnomAD exomes 0.00526 and 0.00983; gnomAD 0.00573 and 0.00585; TOPMed 0.00596; ESP Exome Variant Server 0.00830.
gnomAD v4.1: 15,181 of 1,614,098 alleles (0.94%); highest among the groups gnomAD compares: Non-Finnish European, 1.2%; 107 homozygotes.

Submissions (15):

CeGaT Center for Human Genetics Tuebingen
Classification: Benign. Last evaluated: 2026-08-01. Review status: criteria provided, single submitter. Criteria: CeGaT Center For Human Genetics Tuebingen Variant Classification Criteria Version 2. Collection method: clinical testing. Allele origin: germline. Affected: yes. Observed: 25 variant alleles.
Comment: PEX2: BS1, BS2

Labcorp Genetics (formerly Invitae), Labcorp
Classification: Benign for Peroxisome biogenesis disorder 5A (Zellweger). Last evaluated: 2026-02-04. Review status: criteria provided, single submitter. Criteria: Invitae Variant Classification Sherloc (09022015). Collection method: clinical testing. Allele origin: germline.

ARUP Laboratories, Molecular Genetics and Genomics, ARUP Laboratories
Classification: Likely benign. Last evaluated: 2024-05-14. Review status: criteria provided, single submitter. Criteria: ARUP Molecular Germline Variant Investigation Process 2024. Collection method: clinical testing. Allele origin: germline.

Genome-Nilou Lab
Classification: Likely benign for Peroxisome biogenesis disorder 5A (Zellweger). Last evaluated: 2021-07-14. Review status: criteria provided, single submitter. Criteria: ACMG Guidelines, 2015. Collection method: clinical testing. Allele origin: germline. Affected: no.

Genome-Nilou Lab
Classification: Likely benign for Peroxisome biogenesis disorder 5B. Last evaluated: 2021-07-14. Review status: criteria provided, single submitter. Criteria: ACMG Guidelines, 2015. Collection method: clinical testing. Allele origin: germline. Affected: no.

Pars Genome Lab
Classification: Uncertain significance for Peroxisome biogenesis disorder 5A (Zellweger). Last evaluated: 2021-05-18. Review status: criteria provided, single submitter. Criteria: ACMG Guidelines, 2015. Collection method: clinical testing. Allele origin: germline. Affected: no.

Mendelics
Classification: Likely benign for Peroxisome biogenesis disorder 1A (Zellweger). Last evaluated: 2019-05-28. Review status: criteria provided, single submitter. Criteria: Mendelics Assertion Criteria 2017. Collection method: clinical testing. Allele origin: unknown.

Mayo Clinic Laboratories, Mayo Clinic
Classification: Benign. Last evaluated: 2018-11-27. Review status: criteria provided, single submitter. Criteria: ACMG Guidelines, 2015. Collection method: clinical testing. Allele origin: germline. Observed: 5 variant alleles.

Illumina Laboratory Services, Illumina
Classification: Likely benign for Peroxisome biogenesis disorder 5A (Zellweger). Last evaluated: 2018-01-13. Review status: criteria provided, single submitter. Criteria: ICSL Variant Classification Criteria 13 December 2019. Collection method: clinical testing. Allele origin: germline.
Comment: This variant was observed in the ICSL laboratory as part of a predisposition screen in an ostensibly healthy population. It had not been previously curated by ICSL or reported in the Human Gene Mutation Database (HGMD: prior to June 1st, 2018), and was therefore a candidate for classification through an automated scoring system. Utilizing variant allele frequency, disease prevalence and penetrance estimates, and inheritance mode, an automated score was calculated to assess if this variant is too frequent to cause the disease. Based on the score and internal cut-off values, a variant classified as likely benign is not then subjected to further curation. The score for this variant resulted in a classification of likely benign for this disease.

Center for Pediatric Genomic Medicine, Children's Mercy Hospital and Clinics
Classification: Likely benign. Last evaluated: 2016-11-15. Review status: criteria provided, single submitter. Criteria: ACMG Guidelines, 2015. Collection method: clinical testing. Allele origin: germline.
ClinVar note: Converted during submission from Likely Benign to Likely benign.

Eurofins Ntd Llc (ga)
Classification: Benign. Last evaluated: 2016-06-19. Review status: criteria provided, single submitter. Criteria: EGL Classification Definitions 2015. Collection method: clinical testing. Allele origin: germline. Observed: 1 variant allele, 1 heterozygote.

Genetic Services Laboratory, University of Chicago
Classification: Likely benign. Last evaluated: 2014-11-24. Review status: criteria provided, single submitter. Criteria: ACMG Guidelines, 2015. Collection method: clinical testing. Allele origin: germline.

Natera, Inc.
Classification: Benign for Zellweger syndrome. Last evaluated: 2019-11-15. Review status: no assertion criteria provided. Collection method: clinical testing. Allele origin: germline. Not counted in ClinVar's aggregate classification.

Clinical Genetics DNA and cytogenetics Diagnostics Lab, Erasmus MC, Erasmus Medical Center
Classification: Likely benign. Review status: no assertion criteria provided. Collection method: clinical testing. Allele origin: germline. Affected: yes. Study: VKGL Data-share Consensus. Not counted in ClinVar's aggregate classification.

Laboratory of Diagnostic Genome Analysis, Leiden University Medical Center (LUMC)
Classification: Likely benign. Review status: no assertion criteria provided. Collection method: clinical testing. Allele origin: germline. Affected: yes. Study: VKGL Data-share Consensus. Not counted in ClinVar's aggregate classification.

NM_000318.3(PEX2):c.748T>C (p.Trp250Arg)

Gene: PEX2 (peroxisomal biogenesis factor 2; minus strand). Cytogenetic location: 8q21.13.
Variant type: single nucleotide variant.
Coding change: c.748T>C on transcript NM_000318.3 (MANE Select); coding-DNA position 748, T replaced by C.
Protein change: p.Trp250Arg; replaces tryptophan 250 with arginine.
Molecular consequence: missense variant.
Genome position (GRCh38, 1-based): chr8:76,983,431, A>G on the plus strand (T>C on the coding strand, the complement: PEX2 is on the minus strand). VCF-style: chr8-76983431-A-G. GRCh37 (hg19) VCF-style: chr8-77895667-A-G.
Other names: p.Trp250Arg; c.748T>C, p.Trp250Arg (NM_001079867.2, NM_001172086.2, NM_001172087.2); short protein forms W250R.
Identifiers: ClinVar variation 129885 (VCV000129885.76), dbSNP rs142645936, ClinGen allele CA154235.